The following is an entry in ClinVar:

ClinVar aggregate classification (germline): Uncertain significance. Review status: criteria provided, multiple submitters, no conflicts (2 of 4 stars). 2 submissions from 2 submitters: Uncertain significance (2). Last evaluated 2024-08-07.

Conditions:
Hereditary cancer-predisposing syndrome. Also called: Tumor predisposition; Neoplastic Syndromes, Hereditary; Hereditary neoplastic syndrome; Hereditary Cancer Syndrome. Identifiers: Orphanet 140162, MedGen C0027672, MeSH D009386, MONDO:0015356.
Ataxia-telangiectasia syndrome (AT). Also called: Ataxia-telangiectasia, complementation group D; AT, COMPLEMENTATION GROUP C; ATAXIA-TELANGIECTASIA, COMPLEMENTATION GROUP A; ATAXIA-TELANGIECTASIA, FRESNO VARIANT; Ataxia-telangiectasia; Ataxia telangiectasia (A-T). Identifiers: Orphanet 100, MedGen C0004135, MONDO:0008840, OMIM 208900.

Submissions (2):

Ambry Genetics
Classification: Uncertain significance for Hereditary cancer-predisposing syndrome. Last evaluated: 2024-08-07. Review status: criteria provided, single submitter. Criteria: Ambry Variant Classification Scheme 2023. Collection method: clinical testing. Allele origin: germline.
Comment: The p.D2551N variant (also known as c.7651G>A), located in coding exon 51 of the ATM gene, results from a G to A substitution at nucleotide position 7651. The aspartic acid at codon 2551 is replaced by asparagine, an amino acid with highly similar properties. This amino acid position is well conserved in available vertebrate species. In addition, this alteration is predicted to be tolerated by in silico analysis. Based on the available evidence, the clinical significance of this variant remains unclear.

Labcorp Genetics (formerly Invitae), Labcorp
Classification: Uncertain significance for Ataxia-telangiectasia syndrome. Last evaluated: 2022-07-19. Review status: criteria provided, single submitter. Criteria: Invitae Variant Classification Sherloc (09022015). Collection method: clinical testing. Allele origin: germline.
Comment: This sequence change replaces aspartic acid, which is acidic and polar, with asparagine, which is neutral and polar, at codon 2551 of the ATM protein (p.Asp2551Asn). In summary, the available evidence is currently insufficient to determine the role of this variant in disease. Therefore, it has been classified as a Variant of Uncertain Significance. Algorithms developed to predict the effect of sequence changes on RNA splicing suggest that this variant may disrupt the consensus splice site. Advanced modeling of protein sequence and biophysical properties (such as structural, functional, and spatial information, amino acid conservation, physicochemical variation, residue mobility, and thermodynamic stability) performed at Invitae indicates that this missense variant is expected to disrupt ATM protein function. ClinVar contains an entry for this variant (Variation ID: 959299). This variant has not been reported in the literature in individuals affected with ATM-related conditions. This variant is not present in population databases (gnomAD no frequency).

NM_000051.4(ATM):c.7651G>A (p.Asp2551Asn)

Genes: ATM (ATM serine/threonine kinase; plus strand), C11orf65 (chromosome 11 open reading frame 65; minus strand). Cytogenetic location: 11q22.3.
Variant type: single nucleotide variant.
Coding change: c.7651G>A on transcript NM_000051.4 (MANE Select); coding-DNA position 7651, G replaced by A.
Protein change: p.Asp2551Asn; replaces aspartic acid 2551 with asparagine.
Molecular consequence: missense variant. On other transcripts: intron variant (2).
Genome position (GRCh38, 1-based): chr11:108,331,900, G>A. VCF-style: chr11-108331900-G-A. GRCh37 (hg19) VCF-style: chr11-108202627-G-A.
Other names: c.641-22829C>T (NM_001330368.2); c.*38+3320C>T (NM_001351110.2); c.7651G>A, p.Asp2551Asn (NM_001351834.2); short protein forms D2551N.
Identifiers: ClinVar variation 959299 (VCV000959299.11), dbSNP rs2086287943, ClinGen allele CA382560930.